The following is an entry in ClinVar:

NM_001165963.4(SCN1A):c.1982C>T (p.Thr661Ile)

Gene: SCN1A (sodium voltage-gated channel alpha subunit 1; minus strand). Cytogenetic location: 2q24.3.
Variant type: single nucleotide variant.
Coding change: c.1982C>T on transcript NM_001165963.4 (MANE Select); coding-DNA position 1982, C replaced by T.
Protein change: p.Thr661Ile; replaces threonine 661 with isoleucine.
Molecular consequence: missense variant. On other transcripts: 5 prime UTR variant (1), non-coding transcript variant (1), intron variant (4).
Genome position (GRCh38, 1-based): chr2:166,043,730, G>A on the plus strand (C>T on the coding strand, the complement: SCN1A is on the minus strand). VCF-style: chr2-166043730-G-A. GRCh37 (hg19) VCF-style: chr2-166900240-G-A.
Other names: c.1982C>T, p.Thr661Ile (NM_001202435.3, NM_001353948.2, NM_001353949.2 and 4 more transcripts); c.1979C>T, p.Thr660Ile (NM_001353954.2, NM_001353955.2); c.-444C>T (NM_001353961.2); c.1959+23C>T (NM_001353958.2, NM_001353957.2, NM_001165964.3); c.1956+23C>T (NM_001353960.2); short protein forms T660I, T661I.
Identifiers: ClinVar variation 1486728 (VCV001486728.11), dbSNP rs780340848, ClinGen allele CA1943224.
Genomic context (GRCh38, chr2:166,043,730, plus strand): 5'-TTGTCATCAGTAGCTGGCTTATCTATTATCACCTCTGGCAGAAGCTGTCCAACAGGCGAT[G>A]TAGGAACTGAAGGTCCACCAACCAAGGAAACCACACCATTGCAATCCACAGTGCTGTGCA-3'
Protein context (NP_001159435.1, residues 651-671): VSLVGGPSVP[Thr661Ile]SPVGQLLPEV

ClinVar aggregate classification (germline): Conflicting classifications of pathogenicity. Review status: criteria provided, conflicting classifications (1 of 4 stars). 2 submissions from 2 submitters: Uncertain significance (1); Likely benign (1). Last evaluated 2022-08-31.

Conditions:
Developmental and epileptic encephalopathy 6B. Also called: Developmental and epileptic encephalopathy 6B, non-Dravet. Identifiers: MedGen C5543353, MONDO:0030268, OMIM 619317.
Early-infantile DEE. Also called: Ohtahara syndrome; Early infantile epileptic encephalopathy; Early infantile epileptic encephalopathy with suppression bursts. Identifiers: Orphanet 1934, MedGen C0393706, MONDO:0800491.

Allele frequency attached by ClinVar (database versions not stated): gnomAD exomes 0.00001; ExAC 0.00002.
gnomAD v4.1: 3 of 1,614,162 alleles (0.00019%); highest among the groups gnomAD compares: East Asian, 0.0022%; no homozygotes.

Submissions (2):

Labcorp Genetics (formerly Invitae), Labcorp
Classification: Likely benign for Early-infantile DEE. Last evaluated: 2022-08-31. Review status: criteria provided, single submitter. Criteria: Invitae Variant Classification Sherloc (09022015). Collection method: clinical testing. Allele origin: germline.

Lifecell International Pvt. Ltd
Classification: Uncertain significance for Developmental and epileptic encephalopathy 6B. Review status: criteria provided, single submitter. Criteria: ACMG Guidelines, 2015. Collection method: clinical testing. Allele origin: germline. Inheritance: Autosomal dominant inheritance. Affected: yes. Observed: 1 heterozygote.
Comment: The missense variant NM_001165963.4(SCN1A):c.1982C>T (p.Thr661Ile) has not been reported previously as a pathogenic variant nor as a benign variant, to our knowledge. The p.Thr661Ile variant is observed in 1/30,612 (0.0033%) alleles from individuals of gnomAD South Asian background in gnomAD. The p.Thr661Ile variant is novel (not in any individuals) in 1kG. There is a moderate physicochemical difference between threonine and isoleucine. The gene SCN1A has a low rate of benign missense variation as indicated by a high missense variants Z-Score of 5.22. Missense Variants Z-Score is produced by the Exome Aggregation Consortium (60,706 adult humans) by computing a signed Z score for the deviation of observed counts from the expected number. Positive Z scores indicate increased constraint (intolerance to variation) and therefore that the gene had fewer missense variants than expected. (DOI: 10.1038/nature19057). The Missense Badness Score and MPC value for this variant are 0.43 and 1.13, respectively. Missense Badness Score is the normalized fold difference of missense substitutions between observed and expected variants from ExAC dataset. This score is then combined with orthogonal deleteriousness metrics into one score called MPC (for Missense badness, PolyPhen-2, and Constraint) designed to classify whether a missense variants is deleterious. Variants with MPC ≥ 2 have a rate nearly 6 times higher in cases than in controls. While those with intermediate MPC values (1 ≤ MPC < 2) have a more modest excess in cases. The gene SCN1A contains 537 pathogenic missense variants, indicating that missense variants are a common mechanism of disease in this gene. The p.Thr661Ile missense variant is predicted to be damaging by both SIFT and PolyPhen2. The threonine residue at codon 661 of SCN1A is conserved in all mammalian species. The nucleotide c.1982 in SCN1A is predicted conserved by GERP++ and PhyloP across 100 vertebrates. For these reasons, this variant has been classified as Uncertain Significance.